The following is an entry in ClinVar:

ClinVar aggregate classification (germline): Pathogenic/Likely pathogenic. Review status: criteria provided, multiple submitters, no conflicts (2 of 4 stars). 5 submissions from 5 submitters: Pathogenic (3); Likely pathogenic (1). 1 of the submissions does not count toward it. Last evaluated 2024-05-09.

Conditions:
Inborn genetic diseases. Identifiers: MedGen C0950123, MeSH D030342.
Osteogenesis imperfecta type 15. Also called: WNT1-related osteogenesis imperfecta; Osteogenesis imperfecta, type xv; OI, TYPE XV. Identifiers: Orphanet 666, MedGen C3808844, MONDO:0014086, OMIM 615220.
OSTEOPOROSIS, EARLY-ONSET, SUSCEPTIBILITY TO (BMND16). Also called: Bone mineral density quantitative trait locus 16. Identifiers: Orphanet 85193, MedGen C3714945, OMIM 615221.

Submissions (5):

Fulgent Genetics
Classification: Likely pathogenic for Osteogenesis imperfecta type 15; OSTEOPOROSIS, EARLY-ONSET, SUSCEPTIBILITY TO. Last evaluated: 2024-05-09. Review status: criteria provided, single submitter. Criteria: ACMG Guidelines, 2015. Collection method: clinical testing. Allele origin: germline.

Labcorp Genetics (formerly Invitae), Labcorp
Classification: Pathogenic. Last evaluated: 2021-12-24. Review status: criteria provided, single submitter. Criteria: Invitae Variant Classification Sherloc (09022015). Collection method: clinical testing. Allele origin: germline.
Comment: For these reasons, this variant has been classified as Pathogenic. This variant disrupts a region of the WNT1 protein in which other variant(s) (p.Gly303*) have been determined to be pathogenic (Invitae). This suggests that this is a clinically significant region of the protein, and that variants that disrupt it are likely to be disease-causing. Experimental studies have shown that this premature translational stop signal affects WNT1 function (PMID: 23656646). Algorithms developed to predict the effect of variants on protein structure and function are not available or were not evaluated for this variant. ClinVar contains an entry for this variant (Variation ID: 50260). This premature translational stop signal has been observed in individual(s) with autosomal recessive osteogenesis imperfecta (PMID: 23499310, 23656646, 29620724). It has also been observed to segregate with disease in related individuals. This variant is not present in population databases (gnomAD no frequency). This sequence change creates a premature translational stop signal (p.Ser295*) in the WNT1 gene. While this is not anticipated to result in nonsense mediated decay, it is expected to disrupt the last 76 amino acid(s) of the WNT1 protein.

Ambry Genetics
Classification: Pathogenic for Inborn genetic diseases. Last evaluated: 2019-03-22. Review status: criteria provided, single submitter. Criteria: Ambry exome assertion method (8-5-2015). Collection method: clinical testing. Allele origin: germline. Affected: yes. Observed: 1 variant allele.

GeneDx
Classification: Pathogenic. Last evaluated: 2017-04-11. Review status: criteria provided, single submitter. Criteria: GeneDx Variant Classification (06012015). Collection method: clinical testing. Allele origin: germline. Affected: yes.
Comment: The S295X variant in the WNT1 gene has been reported previously in the homozygous state in individuals of Hmong background with osteogenesis imperfecta (Laine et al., 2013; Pyott et al., 2013). This variant is predicted to cause loss of normal protein function through protein truncation, as the last 76 amino acids of the protein are lost. Functional studies demonstrate that the S295X variant impairs the WNT signaling pathway and results in decreased mineralization (Laine et al., 2013). The S295X variant is not observed in large population cohorts (Lek et al., 2016; 1000 Genomes Consortium et al., 2015; Exome Variant Server). We interpret S295X as a pathogenic variant.

OMIM
Classification: Pathogenic for OSTEOGENESIS IMPERFECTA, TYPE XV. Last evaluated: 2013-04-04. Review status: no assertion criteria provided. Collection method: literature only. Allele origin: germline. Not counted in ClinVar's aggregate classification.

Literature cited by the submitters: PubMed 23656646 (cited by Labcorp Genetics (formerly Invitae), Labcorp and Ambry Genetics); PubMed 23499310 (cited by 3 submitters); PubMed 29620724 (cited by Labcorp Genetics (formerly Invitae), Labcorp and Ambry Genetics); PubMed 22653731 (cited by Ambry Genetics); PubMed 28528193 (cited by Ambry Genetics); PubMed 23499309 (cited by Ambry Genetics).

NM_005430.4(WNT1):c.884C>A (p.Ser295Ter)

Gene: WNT1 (Wnt family member 1; plus strand). Cytogenetic location: 12q13.12.
Variant type: single nucleotide variant.
Coding change: c.884C>A on transcript NM_005430.4 (MANE Select); coding-DNA position 884, C replaced by A.
Protein change: p.Ser295Ter; replaces serine 295 with a stop codon.
Molecular consequence: nonsense.
Genome position (GRCh38, 1-based): chr12:48,981,411, C>A. VCF-style: chr12-48981411-C-A. GRCh37 (hg19) VCF-style: chr12-49375194-C-A.
Other names: short protein forms S295*.
Identifiers: ClinVar variation 50260 (VCV000050260.10), dbSNP rs387907356, ClinGen allele CA143725.
Genomic context (GRCh38, chr12:48,981,411, plus strand): 5'-AGCCGGAAGACCCGGCCCACAAACCGCCCTCCCCCCACGACCTCGTCTACTTCGAGAAAT[C>A]GCCCAACTTCTGCACGTACAGCGGACGCCTGGGCACAGCAGGCACGGCAGGGCGCGCCTG-3'